The following is an entry in ClinVar:

ClinVar aggregate classification (germline): Likely benign (1 of 4 stars; one submission).

Allele frequency attached by ClinVar (database versions not stated): gnomAD exomes below 0.00001.
gnomAD v4.1: 1 of 1,613,936 alleles (0.000062%); highest among the groups gnomAD compares: Non-Finnish European, 0.000085%; no homozygotes.

Submission:

CeGaT Center for Human Genetics Tuebingen
Classification: Likely benign. Last evaluated: 2022-08-01. Review status: criteria provided, single submitter. Criteria: CeGaT Center For Human Genetics Tuebingen Variant Classification Criteria Version 2. Collection method: clinical testing. Allele origin: germline. Affected: yes. Observed: 1 variant allele.
Comment: HCN1: PM2:Supporting, BP4, BP7

NM_021072.4(HCN1):c.1977C>A (p.Arg659=)

Gene: HCN1 (hyperpolarization activated cyclic nucleotide gated potassium channel 1; minus strand). Cytogenetic location: 5p12.
Variant type: single nucleotide variant.
Coding change: c.1977C>A on transcript NM_021072.4 (MANE Select); coding-DNA position 1977, C replaced by A.
Protein change: p.Arg659=; no amino-acid change (arginine 659 retained).
Molecular consequence: synonymous variant.
Genome position (GRCh38, 1-based): chr5:45,262,617, G>T on the plus strand (C>A on the coding strand, the complement: HCN1 is on the minus strand). VCF-style: chr5-45262617-G-T. GRCh37 (hg19) VCF-style: chr5-45262719-G-T.
Identifiers: ClinVar variation 1711604 (VCV001711604.30), dbSNP rs1282221978, ClinGen allele CA444401514.